The following is an entry in ClinVar:

NM_001134407.3(GRIN2A):c.3820A>G (p.Asn1274Asp)

Gene: GRIN2A (glutamate ionotropic receptor NMDA type subunit 2A; minus strand). Cytogenetic location: 16p13.2.
Variant type: single nucleotide variant.
Coding change: c.3820A>G on transcript NM_001134407.3 (MANE Select); coding-DNA position 3820, A replaced by G.
Protein change: p.Asn1274Asp; replaces asparagine 1274 with aspartic acid.
Molecular consequence: missense variant. On other transcripts: intron variant (1).
Genome position (GRCh38, 1-based): chr16:9,763,724, T>C on the plus strand (A>G on the coding strand, the complement: GRIN2A is on the minus strand). VCF-style: chr16-9763724-T-C. GRCh37 (hg19) VCF-style: chr16-9857581-T-C.
Other names: c.3820A>G, p.Asn1274Asp (NM_000833.5); c.3772+48A>G (NM_001134408.2); short protein forms N1274D.
Identifiers: ClinVar variation 580347 (VCV000580347.9), dbSNP rs1567275934, ClinGen allele CA394706778.

ClinVar aggregate classification (germline): Uncertain significance (1 of 4 stars; one submission).

Conditions:
Landau-Kleffner syndrome (FESD). Also called: EPILEPSY, FOCAL, WITH SPEECH DISORDER AND WITH OR WITHOUT MENTAL RETARDATION; APHASIA, ACQUIRED, WITH EPILEPSY. Identifiers: Orphanet 1945, Orphanet 725, Orphanet 98818, MedGen C0282512, MONDO:0009509, OMIM 245570.

Submission:

Labcorp Genetics (formerly Invitae), Labcorp
Classification: Uncertain significance for Landau-Kleffner syndrome. Last evaluated: 2017-11-18. Review status: criteria provided, single submitter. Criteria: Invitae Variant Classification Sherloc (09022015). Collection method: clinical testing. Allele origin: germline.
Comment: This sequence change replaces asparagine with aspartic acid at codon 1274 of the GRIN2A protein (p.Asn1274Asp). The asparagine residue is moderately conserved and there is a small physicochemical difference between asparagine and aspartic acid. This variant is not present in population databases (ExAC no frequency). This variant has not been reported in the literature in individuals with GRIN2A-related disease. Algorithms developed to predict the effect of missense changes on protein structure and function (SIFT, PolyPhen-2, Align-GVGD) all suggest that this variant is likely to be tolerated, but these predictions have not been confirmed by published functional studies and their clinical significance is uncertain. In summary, the available evidence is currently insufficient to determine the role of this variant in disease. Therefore, it has been classified as a Variant of Uncertain Significance.